The following is an entry in ClinVar:

NM_002740.6(PRKCI):c.1400_1401del (p.Glu467fs)

Gene: PRKCI (protein kinase C iota; plus strand). Cytogenetic location: 3q26.2.
Variant type: Microsatellite.
Coding change: c.1400_1401del on transcript NM_002740.6 (MANE Select); coding-DNA positions 1400 to 1401, 2 bases deleted (AG; older notation c.1400_1401delAG).
Protein change: p.Glu467fs; shifts the reading frame from glutamic acid 467.
Molecular consequence: frameshift variant.
Genome position (GRCh38, 1-based): chr3:170,293,491-170,293,492, AG deleted; deleting any 2 consecutive bases within chr3:170,293,489-170,293,492 gives the same sequence; the c. name uses the placement nearest the transcript's 3' end. VCF-style (leftmost placement, unchanged base first): chr3-170293488-CAG-C. GRCh37 (hg19) VCF-style: chr3-170011276-CAG-C.
Other names: short protein forms E467fs.
Identifiers: ClinVar variation 4991141 (VCV004991141.1).
Genomic context (GRCh38, chr3:170,293,488, plus strand): 5'-TGATGGCAGGAAGGTCTCCATTTGATATTGTTGGGAGCTCCGATAACCCTGACCAGAACA[CAG>C]AGGATTATCTCTTCCAAGGTAATTTGGAGTATTTTACAGAGATTCTCTGAGAAAAACCTA-3'

ClinVar aggregate classification (germline): Uncertain significance (1 of 4 stars; one submission).

Conditions:
PRKCI-related disorder. Also called: PRKCI-related condition.

Submission:

PreventionGenetics, part of Exact Sciences
Classification: Uncertain significance for PRKCI-related condition. Last evaluated: 2025-12-03. Review status: criteria provided, single submitter. Criteria: ACMG Guidelines, 2015. Collection method: clinical testing. Allele origin: germline.
Comment: The PRKCI c.1400_1401delAG variant is predicted to result in a frameshift and premature protein termination (p.Glu467Glyfs*31). To our knowledge, this variant has not been reported in the literature or in a large population database (gnomAD), indicating this variant is rare. At this time, the clinical significance of this variant is uncertain due to the absence of conclusive functional and genetic evidence.